The following is an entry in ClinVar:

ClinVar aggregate classification (germline): Uncertain significance (1 of 4 stars; one submission).

Conditions:
NCOA1-related disorder. Also called: NCOA1-related condition.

gnomAD v4.1: 2 of 1,613,014 alleles (0.00012%); highest among the groups gnomAD compares: Non-Finnish European, 0.00017%; no homozygotes.

Submission:

PreventionGenetics, part of Exact Sciences
Classification: Uncertain significance for NCOA1-related condition. Last evaluated: 2024-12-14. Review status: criteria provided, single submitter. Criteria: ACMG Guidelines, 2015. Collection method: clinical testing. Allele origin: germline.
Comment: The NCOA1 c.3210C>G variant is predicted to result in the amino acid substitution p.His1070Gln. To our knowledge, this variant has not been reported in the literature. This variant is reported in 0.00088% of alleles in individuals of European (Non-Finnish) descent in gnomAD. At this time, the clinical significance of this variant is uncertain due to the absence of conclusive functional and genetic evidence.

NM_003743.5(NCOA1):c.3210C>G (p.His1070Gln)

Gene: NCOA1 (nuclear receptor coactivator 1; plus strand). Cytogenetic location: 2p23.3.
Variant type: single nucleotide variant.
Coding change: c.3210C>G on transcript NM_003743.5 (MANE Select); coding-DNA position 3210, C replaced by G.
Protein change: p.His1070Gln; replaces histidine 1070 with glutamine.
Molecular consequence: missense variant.
Genome position (GRCh38, 1-based): chr2:24,739,440, C>G. VCF-style: chr2-24739440-C-G. GRCh37 (hg19) VCF-style: chr2-24962309-C-G.
Other names: c.3210C>G, p.His1070Gln (NM_001362950.1, NM_001362952.1, NM_001362954.1 and 3 more transcripts); short protein forms H1070Q.
Identifiers: ClinVar variation 4982190 (VCV004982190.1).